The following is an entry in ClinVar:

NC_000004.11:g.(?_88928786)_(88998930_?)del

Gene: PKD2 (polycystin 2, transient receptor potential cation channel; plus strand). Cytogenetic location: 4q22.1.
Variant type: Deletion.
Identifiers: ClinVar variation 3907371 (VCV003907371.1).

ClinVar aggregate classification (germline): Pathogenic (1 of 4 stars; one submission).

Conditions:
Polycystic kidney disease 2 (PKD2). Also called: Polycystic Kidney Disease 2, Autosomal Dominant; POLYCYSTIC KIDNEY DISEASE, ADULT, TYPE II; POLYCYSTIC KIDNEY DISEASE 2 WITH OR WITHOUT POLYCYSTIC LIVER DISEASE. Identifiers: MedGen C2751306, MONDO:0013131, OMIM 613095.

Submission:

Women's Health and Genetics/Laboratory Corporation of America, LabCorp
Classification: Pathogenic for Polycystic kidney disease 2. Last evaluated: 2025-06-05. Review status: criteria provided, single submitter. Criteria: LabCorp Variant Classification Summary - May 2015. Collection method: clinical testing. Allele origin: germline.
Comment: Variant summary: The variant involves the deletion of exons 1-15 in the PKD2 gene. A presumed nomenclature of c.(?_-100)_(*2084_?)del has been designated for the purposes of this classification. This deletion includes the entire coding sequence of the gene. As the exact proximal and distal breakpoints are unknown, it may extend beyond the annotated region of the gene to include other flanking genes. The variant was absent in 21694 control chromosomes (gnomAD, structural variants dataset). c.(?_-100)_(*2084_?)del has been observed in individual(s) affected with Polycystic Kidney Disease 2 (e.g. Suzuki_2023). These data indicate that the variant is very likely associated with disease. The following publication has been ascertained in the context of this evaluation (PMID: 36833371). ClinVar contains an entry for this variant (Variation ID: 584210). Based on the evidence outlined above, the variant was classified as pathogenic.

Literature cited by the submitters: PubMed 36833371.